The following is an entry in ClinVar:

NM_006767.4(LZTR1):c.27G>C (p.Gly9=)

Genes: LZTR1 (leucine zipper like post translational regulator 1; plus strand), LOC130067016 (ATAC-STARR-seq lymphoblastoid silent region 13504; plus strand). Cytogenetic location: 22q11.21.
Variant type: single nucleotide variant.
Coding change: c.27G>C on transcript NM_006767.4 (MANE Select); coding-DNA position 27, G replaced by C.
Protein change: p.Gly9=; no amino-acid change (glycine 9 retained).
Molecular consequence: synonymous variant.
Genome position (GRCh38, 1-based): chr22:20,982,398, G>C. VCF-style: chr22-20982398-G-C. GRCh37 (hg19) VCF-style: chr22-21336687-G-C.
Identifiers: ClinVar variation 4750289 (VCV004750289.3).
Genomic context (GRCh38, chr22:20,982,398, plus strand): 5'-GCTTACAGCGCGGCCGATCCGGCGTGGACCCGGGATGGCTGGACCGGGCAGCACGGGGGG[G>C]CAGATCGGGGCTGCGGCCCTGGCAGGCGGCGCGCGGTCCAAGGTAGCCCCGAGCGTGGAC-3'
Protein context (NP_006758.2, residues 1-19): MAGPGSTG[Gly9=]QIGAAALAGG

ClinVar aggregate classification (germline): Likely benign. Review status: criteria provided, multiple submitters, no conflicts (2 of 4 stars). 2 submissions from 2 submitters: Likely benign (2). Last evaluated 2026-04-01.

Submissions (2):

CeGaT Center for Human Genetics Tuebingen
Classification: Likely benign. Last evaluated: 2026-04-01. Review status: criteria provided, single submitter. Criteria: CeGaT Center For Human Genetics Tuebingen Variant Classification Criteria Version 2. Collection method: clinical testing. Allele origin: germline. Affected: yes. Observed: 1 variant allele.
Comment: LZTR1: PM2:Supporting, BP4, BP7

Labcorp Genetics (formerly Invitae), Labcorp
Classification: Likely benign. Last evaluated: 2025-10-09. Review status: criteria provided, single submitter. Criteria: Invitae Variant Classification Sherloc (09022015). Collection method: clinical testing. Allele origin: germline.